The following is an entry in ClinVar:

ClinVar aggregate classification (germline): Uncertain significance (1 of 4 stars; one submission).

Conditions:
Multiple congenital exostosis (EXT). Also called: Hereditary multiple osteochondromas; MULTIPLE CARTILAGINOUS EXOSTOSES; Hereditary multiple exostoses; Hereditary multiple exostosis; Multiple osteochondromas; Multiple exostoses. Identifiers: Orphanet 321, MedGen C0015306, MONDO:0005508, HP:0002762.

Allele frequency attached by ClinVar (database versions not stated): gnomAD exomes below 0.00001.
gnomAD v4.1: 6 of 1,614,022 alleles (0.00037%); highest among the groups gnomAD compares: African/African-American, 0.0013%; no homozygotes.

Submission:

Labcorp Genetics (formerly Invitae), Labcorp
Classification: Uncertain significance for Multiple congenital exostosis. Last evaluated: 2024-11-04. Review status: criteria provided, single submitter. Criteria: Invitae Variant Classification Sherloc (09022015). Collection method: clinical testing. Allele origin: germline.
Comment: This sequence change replaces arginine, which is basic and polar, with histidine, which is basic and polar, at codon 338 of the EXT1 protein (p.Arg338His). This variant is not present in population databases (gnomAD no frequency). This variant has not been reported in the literature in individuals affected with EXT1-related conditions. ClinVar contains an entry for this variant (Variation ID: 1494194). Invitae Evidence Modeling of protein sequence and biophysical properties (such as structural, functional, and spatial information, amino acid conservation, physicochemical variation, residue mobility, and thermodynamic stability) indicates that this missense variant is expected to disrupt EXT1 protein function with a positive predictive value of 80%. In summary, the available evidence is currently insufficient to determine the role of this variant in disease. Therefore, it has been classified as a Variant of Uncertain Significance.

NM_000127.3(EXT1):c.1013G>A (p.Arg338His)

Gene: EXT1 (exostosin glycosyltransferase 1; minus strand). Cytogenetic location: 8q24.11.
Variant type: single nucleotide variant.
Coding change: c.1013G>A on transcript NM_000127.3 (MANE Select); coding-DNA position 1013, G replaced by A.
Protein change: p.Arg338His; replaces arginine 338 with histidine.
Molecular consequence: missense variant.
Genome position (GRCh38, 1-based): chr8:117,837,151, C>T on the plus strand (G>A on the coding strand, the complement: EXT1 is on the minus strand). VCF-style: chr8-117837151-C-T. GRCh37 (hg19) VCF-style: chr8-118849390-C-T.
Other names: short protein forms R338H.
Identifiers: ClinVar variation 1494194 (VCV001494194.8), dbSNP rs1288618931, ClinGen allele CA371893297.